The following is an entry in ClinVar:

NM_001130823.3(DNMT1):c.569+126C>T

Gene: DNMT1 (DNA methyltransferase 1; minus strand). Cytogenetic location: 19p13.2.
Variant type: single nucleotide variant.
Coding change: c.569+126C>T on transcript NM_001130823.3 (MANE Select); 126 bases into the intron after coding-DNA position 569, C replaced by T.
Molecular consequence: intron variant.
Genome position (GRCh38, 1-based): chr19:10,177,166, G>A on the plus strand (C>T on the coding strand, the complement: DNMT1 is on the minus strand). VCF-style: chr19-10177166-G-A. GRCh37 (hg19) VCF-style: chr19-10287842-G-A.
Other names: c.206+126C>T (NM_001318731.2); c.521+126C>T (NM_001379.4, NM_001318730.2).
Identifiers: ClinVar variation 677065 (VCV000677065.1), dbSNP rs186792836, ClinGen allele CA305181191.

ClinVar aggregate classification (germline): Likely benign (1 of 4 stars; one submission).

Allele frequency attached by ClinVar (database versions not stated): 1000 Genomes Project 30x 0.00187; 1000 Genomes Project 0.00200; TOPMed 0.00330.
gnomAD v4.1: 4,598 of 856,018 alleles (0.54%); highest among the groups gnomAD compares: Non-Finnish European, 0.59%; 32 homozygotes.

Submission:

GeneDx
Classification: Likely benign. Last evaluated: 2018-06-20. Review status: criteria provided, single submitter. Criteria: GeneDx Variant Classification (06012015). Collection method: clinical testing. Allele origin: germline. Affected: yes.
Comment: This variant is considered likely benign or benign based on one or more of the following criteria: it is a conservative change, it occurs at a poorly conserved position in the protein, it is predicted to be benign by multiple in silico algorithms, and/or has population frequency not consistent with disease.